The following is an entry in ClinVar:

NC_000011.10:g.47337436_47337437delinsAGA

Gene: MYBPC3 (myosin binding protein C3; minus strand). Cytogenetic location: 11p11.2.
Variant type: Indel.
Genome position: GRCh38 VCF-style: chr11-47337436-CG-AGA. GRCh37 (hg19) VCF-style: chr11-47358987-CG-AGA.
Other names: c.2556_2557delCGinsTCT (NM_000256.3); c.2556_2557delinsTCT, p.Gly853fs (NM_000256.3); short protein forms G853fs.
Identifiers: ClinVar variation 42639 (VCV000042639.16), dbSNP rs397515975, ClinGen allele CA012620.
Genomic context (GRCh38, chr11:47,337,436, plus strand): 5'-GCCAGGCAGGCTCACCGATAGGCATGAAGGGCTGGGAGGCAGGGCTGGGCCTGGACATGC[CG>AGA]ATGGCGTTGACCGCGTAGACGCGCATCTCGTACACCACGCCCTCGATCATGCGCCGCGCT-3'

ClinVar aggregate classification (germline): Pathogenic. Review status: criteria provided, multiple submitters, no conflicts (2 of 4 stars). 7 submissions from 7 submitters: Pathogenic (7). Last evaluated 2025-12-08.

Conditions:
Cardiovascular phenotype. Identifiers: MedGen CN230736.
MYBPC3-related disorder. Also called: MYBPC3-related disorders; MYBPC3-related condition; MYBPC3-related disease.
Hypertrophic cardiomyopathy. Also called: HYPERTROPHIC MYOCARDIOPATHY. Identifiers: Orphanet 217569, MedGen C0007194, MeSH D002312, MONDO:0005045, HP:0001639.

Submissions (7):

Labcorp Genetics (formerly Invitae), Labcorp
Classification: Pathogenic for Hypertrophic cardiomyopathy. Last evaluated: 2025-12-08. Review status: criteria provided, single submitter. Criteria: Invitae Variant Classification Sherloc (09022015). Collection method: clinical testing. Allele origin: germline.
Comment: This sequence change creates a premature translational stop signal (p.Gly853Leufs*31) in the MYBPC3 gene. It is expected to result in an absent or disrupted protein product. Loss-of-function variants in MYBPC3 are known to be pathogenic (PMID: 19574547). This variant is present in population databases (rs752104988, gnomAD 0.009%). This premature translational stop signal has been observed in individual(s) with hypertrophic cardiomyopathy (PMID: 12818575, 24510615, 27532257). It has also been observed to segregate with disease in related individuals. This variant is also known as del CG, insTCT 852. ClinVar contains an entry for this variant (Variation ID: 2506163). For these reasons, this variant has been classified as Pathogenic.

GeneDx
Classification: Pathogenic. Last evaluated: 2025-10-13. Review status: criteria provided, single submitter. Criteria: GeneDx Variant Classification Process June 2021. Collection method: clinical testing. Allele origin: germline. Affected: yes.
Comment: Identified in patients with HCM referred for genetic testing at GeneDx and in published literature (PMID: 27532257, 15519027, 12818575, 30775854, 24510615); Frameshift variant predicted to result in protein truncation or nonsense mediated decay in a gene for which loss of function is a known mechanism of disease; Not observed at significant frequency in large population cohorts (gnomAD); Also known as ins t, ggc>tgc (A851 fs/31), and delCG/insTCT 852; This variant is associated with the following publications: (PMID: 27532257, 15519027, 12818575, 33673806, 30775854, 24510615)

Blueprint Genetics
Classification: Pathogenic for MYBPC3-related disorders. Last evaluated: 2023-10-13. Review status: criteria provided, single submitter. Criteria: ACMG Guidelines, 2015. Collection method: clinical testing. Allele origin: germline. Affected: yes. Observed: 5 variant alleles.

Ambry Genetics
Classification: Pathogenic for Cardiovascular phenotype. Last evaluated: 2022-11-07. Review status: criteria provided, single submitter. Criteria: Ambry General Variant Classification Scheme_2022. Collection method: clinical testing. Allele origin: germline.
Comment: The c.2556_2557delCGinsTCT pathogenic mutation, located in coding exon 25 of the MYBPC3 gene, results from the deletion of two nucleotides and insertion of 3 nucleotides causing a translational frameshift with a predicted alternate stop codon (p.G853Lfs*31). This alteration has been reported in hypertrophic cardiomyopathy (HCM) cohorts (J&auml;&auml;skel&auml;inen P et al. ESC Heart Fail, 2019 Apr;6:436-445; Hathaway J et al. BMC Cardiovasc Disord, 2021 03;21:126). This variant is considered to be rare based on population cohorts in the Genome Aggregation Database (gnomAD). In addition, this alteration is expected to result in loss of function by premature protein truncation or nonsense-mediated mRNA decay. As such, this alteration is interpreted as a disease-causing mutation.

Clinical Genetics Laboratory, Skane University Hospital Lund
Classification: Pathogenic. Last evaluated: 2022-07-13. Review status: criteria provided, single submitter. Criteria: ACMG Guidelines, 2015. Collection method: clinical testing. Allele origin: germline. Affected: yes.

Laboratory for Molecular Medicine, Mass General Brigham Personalized Medicine
Classification: Pathogenic for Hypertrophic cardiomyopathy. Last evaluated: 2018-12-07. Review status: criteria provided, single submitter. Criteria: LMM Criteria. Collection method: clinical testing. Allele origin: germline. Inheritance: Autosomal dominant inheritance. Observed: 5 variant alleles.
Comment: The p.Gly853LeufsX31 variant in MYBPC3 has been identified in 7 Caucasian indivi duals with hypertrophic cardiomyopathy (HCM) and segregated with disease in 4 af fected relatives from one family, including 1 affected obligate carrier (Morner 2003, Walsh 2017). In addition, this variant has been identified by our laborato ry in 2 adults with HCM, and was absent from large population studies, though th e ability of these studies to accurately detect indels may be limited. This vari ant is predicted to cause a frameshift, which alters the protein?s amino acid se quence beginning at position 853 and leads to a premature termination codon 31 a mino acids downstream. This alteration is then predicted to lead to a truncated or absent protein. Heterozygous loss of function of function of the MYBPC3 gene is an established disease mechanism in individuals with HCM. In summary, this va riant meets criteria to be classified as pathogenic for HCM in an autosomal domi nant manner based upon the predicted impact on the protein, its absence from the general population, segregation studies and presence in multiple affected indiv iduals. ACMG/AMP Criteria applied: PVS1, PS4_Moderate, PP1, PM2.

Women's Health and Genetics/Laboratory Corporation of America, LabCorp
Classification: Pathogenic for Cardiovascular phenotype. Last evaluated: 2016-03-24. Review status: criteria provided, single submitter. Criteria: LabCorp Variant Classification Summary - May 2015. Collection method: clinical testing. Allele origin: germline.

Literature cited by the submitters: PubMed 19574547 (cited by Labcorp Genetics (formerly Invitae), Labcorp); PubMed 12818575 (cited by 3 submitters); PubMed 24510615 (cited by Labcorp Genetics (formerly Invitae), Labcorp); PubMed 27532257 (cited by Labcorp Genetics (formerly Invitae), Labcorp and Laboratory for Molecular Medicine, Mass General Brigham Personalized Medicine); PubMed 30775854 (cited by Ambry Genetics); PubMed 33673806 (cited by Ambry Genetics).